The following is an entry in ClinVar:

NM_017813.5(BPNT2):c.856A>G (p.Lys286Glu)

Gene: BPNT2 (3'(2'), 5'-bisphosphate nucleotidase 2; minus strand). Cytogenetic location: 8q12.1.
Variant type: single nucleotide variant.
Coding change: c.856A>G on transcript NM_017813.5 (MANE Select); coding-DNA position 856, A replaced by G.
Protein change: p.Lys286Glu; replaces lysine 286 with glutamic acid.
Molecular consequence: missense variant.
Genome position (GRCh38, 1-based): chr8:56,964,017, T>C on the plus strand (A>G on the coding strand, the complement: BPNT2 is on the minus strand). VCF-style: chr8-56964017-T-C. GRCh37 (hg19) VCF-style: chr8-57876576-T-C.
Other names: short protein forms K286E.
Identifiers: ClinVar variation 363405 (VCV000363405.39), dbSNP rs112433249, ClinGen allele CA4755788.

ClinVar aggregate classification (germline): Benign. Review status: criteria provided, multiple submitters, no conflicts (2 of 4 stars). 6 submissions from 6 submitters: Benign (4). 2 of the submissions do not count toward it. Last evaluated 2026-09-01.

Conditions:
Chondrodysplasia with joint dislocations, gPAPP type. Also called: GPAPP DEFICIENCY. Identifiers: Orphanet 280586, MedGen C3279757, MONDO:0013561, OMIM 614078.

Allele frequency attached by ClinVar (database versions not stated): 1000 Genomes Project 30x 0.00312; 1000 Genomes Project 0.00379; TOPMed 0.00884; gnomAD 0.00890 and 0.00905; gnomAD exomes 0.01011 and 0.01287; ESP Exome Variant Server 0.01023; ExAC 0.01397.
gnomAD v4.1: 20,076 of 1,608,170 alleles (1.2%); highest among the groups gnomAD compares: South Asian, 1.5%; 163 homozygotes.

Submissions (6):

CeGaT Center for Human Genetics Tuebingen
Classification: Benign. Last evaluated: 2026-09-01. Review status: criteria provided, single submitter. Criteria: CeGaT Center For Human Genetics Tuebingen Variant Classification Criteria Version 2. Collection method: clinical testing. Allele origin: germline. Affected: yes. Observed: 10 variant alleles.
Comment: BPNT2: BP4, BS1, BS2

Labcorp Genetics (formerly Invitae), Labcorp
Classification: Benign. Last evaluated: 2026-02-02. Review status: criteria provided, single submitter. Criteria: Invitae Variant Classification Sherloc (09022015). Collection method: clinical testing. Allele origin: germline.

Illumina Laboratory Services, Illumina
Classification: Benign for Chondrodysplasia with joint dislocations, gPAPP type. Last evaluated: 2018-01-12. Review status: criteria provided, single submitter. Criteria: ICSL Variant Classification Criteria 13 December 2019. Collection method: clinical testing. Allele origin: germline.
Comment: This variant was observed in the ICSL laboratory as part of a predisposition screen in an ostensibly healthy population. It had not been previously curated by ICSL or reported in the Human Gene Mutation Database (HGMD: prior to June 1st, 2018), and was therefore a candidate for classification through an automated scoring system. Utilizing variant allele frequency, disease prevalence and penetrance estimates, and inheritance mode, an automated score was calculated to assess if this variant is too frequent to cause the disease. Based on the score and internal cut-off values, a variant classified as benign is not then subjected to further curation. The score for this variant resulted in a classification of benign for this disease.

Breakthrough Genomics
Classification: Benign. Review status: criteria provided, single submitter. Criteria: ACMG Guidelines, 2015. Collection method: not provided. Allele origin: germline. Inheritance: Autosomal recessive inheritance. Affected: yes.

Genome Diagnostics Laboratory, University Medical Center Utrecht
Classification: Likely benign. Review status: no assertion criteria provided. Collection method: clinical testing. Allele origin: germline. Affected: yes. Study: VKGL Data-share Consensus. Not counted in ClinVar's aggregate classification.

Laboratory of Diagnostic Genome Analysis, Leiden University Medical Center (LUMC)
Classification: Likely benign. Review status: no assertion criteria provided. Collection method: clinical testing. Allele origin: germline. Affected: yes. Study: VKGL Data-share Consensus. Not counted in ClinVar's aggregate classification.